The following is an entry in ClinVar:

NM_032578.4(MYPN):c.746A>G (p.Asp249Gly)

Gene: MYPN (myopalladin; plus strand). Cytogenetic location: 10q21.3.
Variant type: single nucleotide variant.
Coding change: c.746A>G on transcript NM_032578.4 (MANE Select); coding-DNA position 746, A replaced by G.
Protein change: p.Asp249Gly; replaces aspartic acid 249 with glycine.
Molecular consequence: missense variant. On other transcripts: 5 prime UTR variant (1), non-coding transcript variant (1).
Genome position (GRCh38, 1-based): chr10:68,122,184, A>G. VCF-style: chr10-68122184-A-G. GRCh37 (hg19) VCF-style: chr10-69881941-A-G.
Other names: c.746A>G, p.Asp249Gly (NM_001256267.2); c.-377A>G (NM_001256268.2); short protein forms D249G.
Identifiers: ClinVar variation 1759042 (VCV001759042.6), dbSNP rs2042254891, ClinGen allele CA377105030.

ClinVar aggregate classification (germline): Uncertain significance. Review status: criteria provided, multiple submitters, no conflicts (2 of 4 stars). 2 submissions from 2 submitters: Uncertain significance (2). Last evaluated 2025-09-01.

Conditions:
Cardiovascular phenotype. Identifiers: MedGen CN230736.
Dilated cardiomyopathy 1KK (CMD1KK). Identifiers: Orphanet 154, Orphanet 75249, MedGen C3714995, MONDO:0014100, OMIM 615248.

Allele frequency attached by ClinVar (database versions not stated): TOPMed below 0.00001.

Submissions (2):

Ambry Genetics
Classification: Uncertain significance for Cardiovascular phenotype. Last evaluated: 2025-09-01. Review status: criteria provided, single submitter. Criteria: Ambry Variant Classification Scheme 2023. Collection method: clinical testing. Allele origin: germline.

Labcorp Genetics (formerly Invitae), Labcorp
Classification: Uncertain significance for Dilated cardiomyopathy 1KK. Last evaluated: 2023-08-04. Review status: criteria provided, single submitter. Criteria: Invitae Variant Classification Sherloc (09022015). Collection method: clinical testing. Allele origin: germline.
Comment: This sequence change replaces aspartic acid, which is acidic and polar, with glycine, which is neutral and non-polar, at codon 249 of the MYPN protein (p.Asp249Gly). This variant is not present in population databases (gnomAD no frequency). This variant has not been reported in the literature in individuals affected with MYPN-related conditions. ClinVar contains an entry for this variant (Variation ID: 1759042). An algorithm developed to predict the effect of missense changes on protein structure and function (PolyPhen-2) suggests that this variant¬†is likely to be tolerated. In summary, the available evidence is currently insufficient to determine the role of this variant in disease. Therefore, it has been classified as a Variant of Uncertain Significance.